The following is an entry in ClinVar:

ClinVar aggregate classification (germline): Uncertain significance (1 of 4 stars; one submission).

Submission:

Labcorp Genetics (formerly Invitae), Labcorp
Classification: Uncertain significance. Last evaluated: 2022-09-13. Review status: criteria provided, single submitter. Criteria: Invitae Variant Classification Sherloc (09022015). Collection method: clinical testing. Allele origin: germline.
Comment: This variant has not been reported in the literature in individuals affected with ATAD1-related conditions. In summary, the available evidence is currently insufficient to determine the role of this variant in disease. Therefore, it has been classified as a Variant of Uncertain Significance. This variant is not present in population databases (gnomAD no frequency). This sequence change creates a premature translational stop signal (p.Glu266Serfs*10) in the ATAD1 gene. It is expected to result in an absent or disrupted protein product. However, the current clinical and genetic evidence is not sufficient to establish whether loss-of-function variants in ATAD1 cause disease.

NM_001321967.2(ATAD1):c.796_797del (p.Glu266fs)

Gene: ATAD1 (ATPase family AAA domain containing 1; minus strand). Cytogenetic location: 10q23.31.
Variant type: Microsatellite.
Coding change: c.796_797del on transcript NM_001321967.2 (MANE Select); coding-DNA positions 796 to 797, 2 bases deleted (GA; older notation c.796_797delGA).
Protein change: p.Glu266fs; shifts the reading frame from glutamic acid 266.
Molecular consequence: frameshift variant. On other transcripts: non-coding transcript variant (1).
Genome position (GRCh38, 1-based): chr10:87,767,707-87,767,708, TC deleted on the plus strand (GA on the coding strand, the reverse complement: ATAD1 is on the minus strand); deleting any 2 consecutive bases within chr10:87,767,707-87,767,713 gives the same sequence; the c. name uses the placement nearest the transcript's 3' end. VCF-style (leftmost placement, unchanged base first): chr10-87767706-TTC-T. GRCh37 (hg19) VCF-style: chr10-89527463-TTC-T.
Other names: c.706_707del, p.Glu236fs (NM_001321968.2); c.439_440del, p.Glu147fs (NM_001321969.2); c.796_797del, p.Glu266fs (NM_032810.4); short protein forms E236fs, E147fs, E266fs.
Identifiers: ClinVar variation 2049521 (VCV002049521.4), dbSNP rs753500821, ClinGen allele CA1926096069.